The following is an entry in ClinVar:

ClinVar aggregate classification (germline): Likely benign. Review status: criteria provided, single submitter (1 of 4 stars). 2 submissions from 2 submitters: Likely benign (1). 1 of the submissions does not count toward it. Last evaluated 2022-09-06.

Conditions:
NYX-related disorder. Also called: NYX-related condition.

Submissions (2):

Blueprint Genetics
Classification: Likely benign. Last evaluated: 2022-09-06. Review status: criteria provided, single submitter. Criteria: ACMG Guidelines, 2015. Collection method: clinical testing. Allele origin: germline.

PreventionGenetics, part of Exact Sciences
Classification: Likely benign for NYX-related condition. Last evaluated: 2024-09-05. Review status: no assertion criteria provided. Collection method: clinical testing. Allele origin: germline. Not counted in ClinVar's aggregate classification.
Comment: This variant is classified as likely benign based on ACMG/AMP sequence variant interpretation guidelines (Richards et al. 2015 PMID: 25741868, with internal and published modifications).

NM_001378477.3(NYX):c.-23C>G

Gene: NYX (nyctalopin; plus strand). Cytogenetic location: Xp11.4.
Variant type: single nucleotide variant.
Coding change: c.-23C>G on transcript NM_001378477.3 (MANE Select); 23 bases upstream of the start codon, C replaced by G.
Molecular consequence: 5 prime UTR variant.
Genome position (GRCh38, 1-based): chrX:41,447,882, C>G. VCF-style: chrX-41447882-C-G. GRCh37 (hg19) VCF-style: chrX-41307135-C-G.
Other names: c.-23C>G (NM_022567.3).
Identifiers: ClinVar variation 3351595 (VCV003351595.2).
Genomic context (GRCh38, chrX:41,447,882, plus strand): 5'-TGGGTGACCTGTCCTTTCTCCCCTCAGGTAGGGGTCCCACGGCTGGGTGGTCCTAAGCCA[C>G]TGGGTGGATGAAAGGCCGAGGGATGTTGGTCCTGCTTCTGCATGGTGAGTTCTCCTGCCG-3'